The following is an entry in ClinVar:

ClinVar aggregate classification (germline): Benign. Review status: criteria provided, multiple submitters, no conflicts (2 of 4 stars). 4 submissions from 4 submitters: Benign (3). 1 of the submissions does not count toward it. Last evaluated 2026-01-28.

Conditions:
Early-infantile DEE. Also called: Ohtahara syndrome; Early infantile epileptic encephalopathy with suppression bursts; Early infantile epileptic encephalopathy. Identifiers: Orphanet 1934, MedGen C0393706, MONDO:0800491.

Allele frequency attached by ClinVar (database versions not stated): ESP Exome Variant Server 0.01276; gnomAD exomes 0.00094 and 0.00256; ExAC 0.00310; 1000 Genomes Project 0.00859; gnomAD 0.00973 and 0.01051; 1000 Genomes Project 30x 0.01062; TOPMed 0.01113.
gnomAD v4.1: 2,921 of 1,613,904 alleles (0.18%); highest among the groups gnomAD compares: African/African-American, 3.5%; 46 homozygotes.

Submissions (4):

Labcorp Genetics (formerly Invitae), Labcorp
Classification: Benign for Early-infantile DEE. Last evaluated: 2026-01-28. Review status: criteria provided, single submitter. Criteria: Invitae Variant Classification Sherloc (09022015). Collection method: clinical testing. Allele origin: germline.

Mayo Clinic Laboratories, Mayo Clinic
Classification: Benign. Last evaluated: 2018-12-10. Review status: criteria provided, single submitter. Criteria: ACMG Guidelines, 2015. Collection method: clinical testing. Allele origin: germline. Observed: 6 variant alleles.

PreventionGenetics, part of Exact Sciences
Classification: Benign. Review status: criteria provided, single submitter. Criteria: ACMG Guidelines, 2015. Collection method: clinical testing. Allele origin: germline.

Genetic Services Laboratory, University of Chicago
Classification: Likely benign for AllHighlyPenetrant. Review status: no assertion criteria provided. Collection method: clinical testing. Allele origin: germline. Inheritance: Autosomal recessive inheritance. Not counted in ClinVar's aggregate classification.
Comment: Likely benign based on allele frequency in 1000 Genomes Project or ESP global frequency and its presence in a patient with a rare or unrelated disease phenotype. NOT Sanger confirmed.

NM_006279.5(ST3GAL3):c.398-7T>C

Gene: ST3GAL3 (ST3 beta-galactoside alpha-2,3-sialyltransferase 3; plus strand). Cytogenetic location: 1p34.1.
Variant type: single nucleotide variant.
Coding change: c.398-7T>C on transcript NM_006279.5 (MANE Select); 7 bases into the intron before coding-DNA position 398, T replaced by C.
Molecular consequence: intron variant.
Genome position (GRCh38, 1-based): chr1:43,898,228, T>C. VCF-style: chr1-43898228-T-C. GRCh37 (hg19) VCF-style: chr1-44363900-T-C.
Other names: p.?; c.605-7T>C (NM_174963.5); c.443-7T>C (NM_001350619.2, NM_174964.4); c.442+3751T>C (NM_174965.4); c.395-7T>C (NM_001270465.3, NM_001270463.3); c.560-7T>C (NM_174968.5, NM_001363573.2); c.119-7T>C (NM_001350621.2); c.398-7T>C (NM_001350620.2, NM_001270459.2, NM_174966.4); and 7 more.
Identifiers: ClinVar variation 130379 (VCV000130379.18), dbSNP rs114112844, ClinGen allele CA155299.